The following is an entry in ClinVar:

NM_020365.5(EIF2B3):c.1330G>A (p.Val444Met)

Gene: EIF2B3 (eukaryotic translation initiation factor 2B subunit gamma; minus strand). Cytogenetic location: 1p34.1.
Variant type: single nucleotide variant.
Coding change: c.1330G>A on transcript NM_020365.5 (MANE Select); coding-DNA position 1330, G replaced by A.
Protein change: p.Val444Met; replaces valine 444 with methionine.
Molecular consequence: missense variant. On other transcripts: 3 prime UTR variant (1).
Genome position (GRCh38, 1-based): chr1:44,850,980, C>T on the plus strand (G>A on the coding strand, the complement: EIF2B3 is on the minus strand). VCF-style: chr1-44850980-C-T. GRCh37 (hg19) VCF-style: chr1-45316652-C-T.
Other names: c.*20G>A (NM_001261418.2); short protein forms V444M.
Identifiers: ClinVar variation 3507513 (VCV003507513.2).

ClinVar aggregate classification (germline): Uncertain significance. Review status: criteria provided, multiple submitters, no conflicts (2 of 4 stars). 2 submissions from 2 submitters: Uncertain significance (2). Last evaluated 2026-08-01.

Conditions:
Inborn genetic diseases. Identifiers: MedGen C0950123, MeSH D030342.

gnomAD v4.1: 44 of 1,613,980 alleles (0.0027%); highest among the groups gnomAD compares: Non-Finnish European, 0.003%; no homozygotes.

Submissions (2):

CeGaT Center for Human Genetics Tuebingen
Classification: Uncertain significance. Last evaluated: 2026-08-01. Review status: criteria provided, single submitter. Criteria: CeGaT Center For Human Genetics Tuebingen Variant Classification Criteria Version 2. Collection method: clinical testing. Allele origin: germline. Affected: yes. Observed: 1 variant allele.
Comment: EIF2B3: PM2

Ambry Genetics
Classification: Uncertain significance for Inborn genetic diseases. Last evaluated: 2024-08-21. Review status: criteria provided, single submitter. Criteria: Ambry Variant Classification Scheme 2023. Collection method: clinical testing. Allele origin: germline.